The following is an entry in ClinVar:

ClinVar aggregate classification (germline): Uncertain significance (1 of 4 stars; one submission).

Allele frequency attached by ClinVar (database versions not stated): gnomAD exomes below 0.00001; ExAC 0.00001.
gnomAD v4.1: 2 of 1,614,094 alleles (0.00012%); highest among the groups gnomAD compares: East Asian, 0.0022%; no homozygotes.

Submissions (2):

Labcorp Genetics (formerly Invitae), Labcorp
Classification: Uncertain significance. Last evaluated: 2023-05-19. Review status: criteria provided, single submitter. Criteria: Invitae Variant Classification Sherloc (09022015). Collection method: clinical testing. Allele origin: germline.
Comment: This variant has not been reported in the literature in individuals affected with RNF31-related conditions. In summary, the available evidence is currently insufficient to determine the role of this variant in disease. Therefore, it has been classified as a Variant of Uncertain Significance. Algorithms developed to predict the effect of sequence changes on RNA splicing suggest that this variant may create or strengthen a splice site. This variant is present in population databases (rs755821957, gnomAD 0.006%). This sequence change creates a premature translational stop signal (p.Arg577*) in the RNF31 gene. It is expected to result in an absent or disrupted protein product. However, the current clinical and genetic evidence is not sufficient to establish whether loss-of-function variants in RNF31 cause disease.

Dr. Peter K. Rogan Lab, Western University
No classification provided (evidence only). Condition: Glioma susceptibility 1. Review status: no classification provided. Collection method: in vitro. Allele origin: not applicable. Functional consequence: skipped exon. Not counted in ClinVar's aggregate classification.

NM_017999.5(RNF31):c.1729C>T (p.Arg577Ter)

Gene: RNF31 (ring finger protein 31; plus strand). Cytogenetic location: 14q12.
Variant type: single nucleotide variant.
Coding change: c.1729C>T on transcript NM_017999.5 (MANE Select); coding-DNA position 1729, C replaced by T.
Protein change: p.Arg577Ter; replaces arginine 577 with a stop codon.
Molecular consequence: nonsense.
Genome position (GRCh38, 1-based): chr14:24,151,371, C>T. VCF-style: chr14-24151371-C-T. GRCh37 (hg19) VCF-style: chr14-24620580-C-T.
Other names: c.1276C>T, p.Arg426Ter (NM_001310332.2); short protein forms R577*, R426*.
Identifiers: ClinVar variation 2877176 (VCV002877176.4), dbSNP rs755821957, ClinGen allele CA7125853.